The following is an entry in ClinVar:

ClinVar aggregate classification (germline): Uncertain significance (1 of 4 stars; one submission).

Submission:

Labcorp Genetics (formerly Invitae), Labcorp
Classification: Uncertain significance. Last evaluated: 2023-07-08. Review status: criteria provided, single submitter. Criteria: Invitae Variant Classification Sherloc (09022015). Collection method: clinical testing. Allele origin: germline.
Comment: This variant has not been reported in the literature in individuals affected with RELB-related conditions. An algorithm developed to predict the effect of missense changes on protein structure and function (PolyPhen-2) suggests that this variant is likely to be disruptive. This variant is not present in population databases (gnomAD no frequency). This sequence change replaces arginine, which is basic and polar, with histidine, which is basic and polar, at codon 81 of the RELB protein (p.Arg81His). In summary, the available evidence is currently insufficient to determine the role of this variant in disease. Therefore, it has been classified as a Variant of Uncertain Significance.

NM_006509.4(RELB):c.242G>A (p.Arg81His)

Gene: RELB (RELB proto-oncogene, NF-kB subunit; plus strand). Cytogenetic location: 19q13.32.
Variant type: single nucleotide variant.
Coding change: c.242G>A on transcript NM_006509.4 (MANE Select); coding-DNA position 242, G replaced by A.
Protein change: p.Arg81His; replaces arginine 81 with histidine.
Molecular consequence: missense variant.
Genome position (GRCh38, 1-based): chr19:45,012,014, G>A. VCF-style: chr19-45012014-G-A. GRCh37 (hg19) VCF-style: chr19-45515272-G-A.
Other names: c.233G>A, p.Arg78His (NM_001411087.1); short protein forms R78H, R81H.
Identifiers: ClinVar variation 2991836 (VCV002991836.3), dbSNP rs1369496355, ClinGen allele CA406321959.